The following is an entry in ClinVar:

NM_006494.4(ERF):c.328A>G (p.Lys110Glu)

Gene: ERF (ETS2 repressor factor; minus strand). Cytogenetic location: 19q13.2.
Variant type: single nucleotide variant.
Coding change: c.328A>G on transcript NM_006494.4 (MANE Select); coding-DNA position 328, A replaced by G.
Protein change: p.Lys110Glu; replaces lysine 110 with glutamic acid.
Molecular consequence: missense variant.
Genome position (GRCh38, 1-based): chr19:42,249,872, T>C on the plus strand (A>G on the coding strand, the complement: ERF is on the minus strand). VCF-style: chr19-42249872-T-C. GRCh37 (hg19) VCF-style: chr19-42754024-T-C.
Other names: c.103A>G, p.Lys35Glu (NM_001301035.2, NM_001308402.2, NM_001312656.2); short protein forms K110E, K35E.
Identifiers: ClinVar variation 1801892 (VCV001801892.1), dbSNP rs2513524061, ClinGen allele CA406114431.

ClinVar aggregate classification (germline): Uncertain significance (1 of 4 stars; one submission).

Submission:

GeneDx
Classification: Uncertain significance. Last evaluated: 2022-06-02. Review status: criteria provided, single submitter. Criteria: GeneDx Variant Classification Process June 2021. Collection method: clinical testing. Allele origin: germline. Affected: yes.
Comment: Not observed at significant frequency in large population cohorts (gnomAD); In silico analysis supports that this missense variant has a deleterious effect on protein structure/function; Has not been previously published as pathogenic or benign to our knowledge